The following is an entry in ClinVar:

ClinVar aggregate classification (germline): Uncertain significance (1 of 4 stars; one submission).

Conditions:
Holoprosencephaly 4 (HPE4). Identifiers: Orphanet 2162, MedGen C1840528, MONDO:0007734, OMIM 142946.

Allele frequency attached by ClinVar (database versions not stated): ExAC 0.00001; gnomAD 0.00001; gnomAD exomes 0.00001; TOPMed 0.00006.
gnomAD v4.1: 23 of 1,614,020 alleles (0.0014%); highest among the groups gnomAD compares: African/African-American, 0.004%; no homozygotes.

Submission:

Labcorp Genetics (formerly Invitae), Labcorp
Classification: Uncertain significance for Holoprosencephaly 4. Last evaluated: 2025-12-19. Review status: criteria provided, single submitter. Criteria: Invitae Variant Classification Sherloc (09022015). Collection method: clinical testing. Allele origin: germline.
Comment: This sequence change replaces alanine, which is neutral and non-polar, with valine, which is neutral and non-polar, at codon 204 of the TGIF1 protein (p.Ala204Val). This variant is present in population databases (rs765441526, gnomAD 0.01%). This variant has not been reported in the literature in individuals affected with TGIF1-related conditions. ClinVar contains an entry for this variant (Variation ID: 2171507). Invitae Evidence Modeling of protein sequence and biophysical properties (such as structural, functional, and spatial information, amino acid conservation, physicochemical variation, residue mobility, and thermodynamic stability) indicates that this missense variant is not expected to disrupt TGIF1 protein function with a negative predictive value of 80%. In summary, the available evidence is currently insufficient to determine the role of this variant in disease. Therefore, it has been classified as a Variant of Uncertain Significance.

NM_003244.4(TGIF1):c.611C>T (p.Ala204Val)

Gene: TGIF1 (TGFB induced factor homeobox 1; plus strand). Cytogenetic location: 18p11.31.
Variant type: single nucleotide variant.
Coding change: c.611C>T on transcript NM_003244.4 (MANE Select); coding-DNA position 611, C replaced by T.
Protein change: p.Ala204Val; replaces alanine 204 with valine.
Molecular consequence: missense variant.
Genome position (GRCh38, 1-based): chr18:3,457,732, C>T. VCF-style: chr18-3457732-C-T. GRCh37 (hg19) VCF-style: chr18-3457730-C-T.
Other names: c.620C>T, p.Ala207Val (NM_001278682.2); c.611C>T, p.Ala204Val (NM_001278684.2, NM_173208.3); c.551C>T, p.Ala184Val (NM_001278686.3, NM_001374396.1, NM_001374397.1 and 5 more transcripts); c.653C>T, p.Ala218Val (NM_173207.4); short protein forms A184V, A204V, A218V, A207V.
Identifiers: ClinVar variation 2171507 (VCV002171507.4), dbSNP rs765441526, ClinGen allele CA8875994.